The following is an entry in ClinVar:

ClinVar aggregate classification (germline): Pathogenic. Review status: criteria provided, single submitter (1 of 4 stars). 2 submissions from 2 submitters: Pathogenic (1). 1 of the submissions does not count toward it. Last evaluated 2026-05-01.

Conditions:
PRKAR1B-related disorder. Also called: PRKAR1B-related condition.

Submissions (2):

GeneDx
Classification: Pathogenic. Last evaluated: 2026-05-01. Review status: criteria provided, single submitter. Criteria: GeneDx Variant Classification Process June 2021. Collection method: clinical testing. Allele origin: germline.
Comment: Not observed at significant frequency in large population cohorts (gnomAD); In silico analysis supports that this missense variant has a deleterious effect on protein structure/function; This variant is associated with the following publications: (PMID: 41163438)

PreventionGenetics, part of Exact Sciences
Classification: Uncertain significance for PRKAR1B-related condition. Last evaluated: 2024-05-10. Review status: no assertion criteria provided. Collection method: clinical testing. Allele origin: germline. Not counted in ClinVar's aggregate classification.
Comment: The PRKAR1B c.904G>A variant is predicted to result in the amino acid substitution p.Val302Met. To our knowledge, this variant has not been reported in the literature or in a large population database, indicating this variant is rare. At this time, the clinical significance of this variant is uncertain due to the absence of conclusive functional and genetic evidence.

NM_001164760.2(PRKAR1B):c.904G>A (p.Val302Met)

Gene: PRKAR1B (protein kinase cAMP-dependent type I regulatory subunit beta; minus strand). Cytogenetic location: 7p22.3.
Variant type: single nucleotide variant.
Coding change: c.904G>A on transcript NM_001164760.2 (MANE Select); coding-DNA position 904, G replaced by A.
Protein change: p.Val302Met; replaces valine 302 with methionine.
Molecular consequence: missense variant.
Genome position (GRCh38, 1-based): chr7:551,458, C>T on the plus strand (G>A on the coding strand, the complement: PRKAR1B is on the minus strand). VCF-style: chr7-551458-C-T. GRCh37 (hg19) VCF-style: chr7-591095-C-T.
Other names: c.904G>A, p.Val302Met (NM_001164758.2, NM_001164759.1, NM_001164761.2 and 2 more transcripts); short protein forms V302M.
Identifiers: ClinVar variation 3344452 (VCV003344452.3).
Genomic context (GRCh38, chr7:551,458, plus strand): 5'-CAGAGGGTCCCAGGCGCCCCACCTCCACGTACTCCTCATTGGGGGACCGGCGCTGCAGCA[C>T]GGACGCGGTGCCCTGTGGGTGGAGGTGGACAGACGTGAGTGCCAGCCAGGCGGGTGCAGG-3'
Protein context (NP_001158232.1, residues 292-312): FYIITEGTAS[Val302Met]LQRRSPNEEY